The following is an entry in ClinVar:

NM_032119.4(ADGRV1):c.9184G>A (p.Ala3062Thr)

Gene: ADGRV1 (adhesion G protein-coupled receptor V1; plus strand). Cytogenetic location: 5q14.3.
Variant type: single nucleotide variant.
Coding change: c.9184G>A on transcript NM_032119.4 (MANE Select); coding-DNA position 9184, G replaced by A.
Protein change: p.Ala3062Thr; replaces alanine 3062 with threonine.
Molecular consequence: missense variant. On other transcripts: non-coding transcript variant (1).
Genome position (GRCh38, 1-based): chr5:90,712,428, G>A. VCF-style: chr5-90712428-G-A. GRCh37 (hg19) VCF-style: chr5-90008245-G-A.
Other names: short protein forms A3062T.
Identifiers: ClinVar variation 2835268 (VCV002835268.3), dbSNP rs2531162763, ClinGen allele CA360396422.

ClinVar aggregate classification (germline): Uncertain significance (1 of 4 stars; one submission).

Submission:

Labcorp Genetics (formerly Invitae), Labcorp
Classification: Uncertain significance. Last evaluated: 2024-02-17. Review status: criteria provided, single submitter. Criteria: Invitae Variant Classification Sherloc (09022015). Collection method: clinical testing. Allele origin: germline.
Comment: This sequence change replaces alanine, which is neutral and non-polar, with threonine, which is neutral and polar, at codon 3062 of the ADGRV1 protein (p.Ala3062Thr). This variant also falls at the last nucleotide of exon 42, which is part of the consensus splice site for this exon. This variant is not present in population databases (gnomAD no frequency). This variant has not been reported in the literature in individuals affected with ADGRV1-related conditions. An algorithm developed to predict the effect of missense changes on protein structure and function (PolyPhen-2) suggests that this variant is likely to be disruptive. Variants that disrupt the consensus splice site are a relatively common cause of aberrant splicing (PMID: 17576681, 9536098). Algorithms developed to predict the effect of sequence changes on RNA splicing suggest that this variant may disrupt the consensus splice site. In summary, the available evidence is currently insufficient to determine the role of this variant in disease. Therefore, it has been classified as a Variant of Uncertain Significance.

Literature cited by the submitters: PubMed 17576681; PubMed 9536098.